The following is an entry in ClinVar:

ClinVar aggregate classification (germline): Likely benign. Review status: criteria provided, multiple submitters, no conflicts (2 of 4 stars). 3 submissions from 3 submitters: Likely benign (3). Last evaluated 2026-06-22.

Conditions:
Retinoblastoma (RB1). Also called: RETINOBLASTOMA, SOMATIC. Identifiers: Orphanet 790, MedGen C0035335, MeSH D012175, MONDO:0008380, OMIM 180200, HP:0009919. Disease mechanism: loss of function. Inheritance: Both sporadic and heritable forms are tested..

Allele frequency attached by ClinVar (database versions not stated): gnomAD exomes 0.00001.
gnomAD v4.1: 2 of 1,613,822 alleles (0.00012%); highest among the groups gnomAD compares: Non-Finnish European, 0.000085%; no homozygotes.

Submissions (3):

Myriad Genetics, Inc.
Classification: Likely benign for Retinoblastoma. Last evaluated: 2026-06-22. Review status: criteria provided, single submitter. Criteria: Myriad Autosomal Dominant, Autosomal Recessive and X-Linked Classification Criteria (2023). Collection method: clinical testing. Allele origin: unknown.
Comment: This variant is considered likely benign. This variant is intronic and is not expected to impact mRNA splicing.

Labcorp Genetics (formerly Invitae), Labcorp
Classification: Likely benign for Retinoblastoma. Last evaluated: 2025-07-30. Review status: criteria provided, single submitter. Criteria: Invitae Variant Classification Sherloc (09022015). Collection method: clinical testing. Allele origin: germline.

All of Us Research Program, National Institutes of Health
Classification: Likely benign for Retinoblastoma. Last evaluated: 2022-11-30. Review status: criteria provided, single submitter. Criteria: ACMG Guidelines, 2015. Collection method: clinical testing. Allele origin: germline. Inheritance: Autosomal dominant inheritance. Observed: 1 variant allele, 1 heterozygote.
Comment: This study involves interpretation of variants in research participants for the purpose of population health screening. Participant phenotype was not available at the time of variant classification. Additional details can be found in publication PMID: 35346344, PMCID: PMC8962531

NM_000321.3(RB1):c.1815-13T>C

Gene: RB1 (RB transcriptional corepressor 1; plus strand). Cytogenetic location: 13q14.2.
Variant type: single nucleotide variant.
Coding change: c.1815-13T>C on transcript NM_000321.3 (MANE Select); 13 bases into the intron before coding-DNA position 1815, T replaced by C.
Molecular consequence: intron variant.
Genome position (GRCh38, 1-based): chr13:48,456,191, T>C. VCF-style: chr13-48456191-T-C. GRCh37 (hg19) VCF-style: chr13-49030327-T-C.
Identifiers: ClinVar variation 1565345 (VCV001565345.10), dbSNP rs1285467120, ClinGen allele CA609584039.